The following is an entry in ClinVar:

ClinVar aggregate classification (germline): Uncertain significance (1 of 4 stars; one submission).

Submission:

GeneDx
Classification: Uncertain significance. Last evaluated: 2020-03-20. Review status: criteria provided, single submitter. Criteria: GeneDx Variant Classification Process June 2021. Collection method: clinical testing. Allele origin: germline. Affected: yes.
Comment: Not observed in large population cohorts (Lek et al., 2016); In silico analysis supports that this missense variant does not alter protein structure/function; Has not been previously published as pathogenic or benign to our knowledge

NM_001164508.2(NEB):c.23704G>T (p.Val7902Leu)

Genes: NEB (nebulin; minus strand), RIF1 (replication timing regulatory factor 1; plus strand). Cytogenetic location: 2q23.3.
Variant type: single nucleotide variant.
Coding change: c.23704G>T on transcript NM_001164508.2 (MANE Select); coding-DNA position 23704, G replaced by T.
Protein change: p.Val7902Leu; replaces valine 7902 with leucine.
Molecular consequence: missense variant.
Genome position (GRCh38, 1-based): chr2:151,505,516, C>A on the plus strand (G>T on the coding strand, the complement: NEB is on the minus strand). VCF-style: chr2-151505516-C-A. GRCh37 (hg19) VCF-style: chr2-152362030-C-A.
Other names: c.23704G>T, p.Val7902Leu (NM_001164507.2); c.23809G>T, p.Val7937Leu (NM_001271208.2); c.18601G>T, p.Val6201Leu (NM_004543.5); short protein forms V6201L, V7902L, V7937L.
Identifiers: ClinVar variation 1315416 (VCV001315416.2), dbSNP rs2153171171, ClinGen allele CA348783228.